The following is an entry in ClinVar:

NM_024529.5(CDC73):c.1240C>T (p.Pro414Ser)

Gene: CDC73 (cell division cycle 73; plus strand). Cytogenetic location: 1q31.2.
Variant type: single nucleotide variant.
Coding change: c.1240C>T on transcript NM_024529.5 (MANE Select); coding-DNA position 1240, C replaced by T.
Protein change: p.Pro414Ser; replaces proline 414 with serine.
Molecular consequence: missense variant.
Genome position (GRCh38, 1-based): chr1:193,233,078, C>T. VCF-style: chr1-193233078-C-T. GRCh37 (hg19) VCF-style: chr1-193202208-C-T.
Other names: short protein forms P414S.
Identifiers: ClinVar variation 861647 (VCV000861647.13), dbSNP rs1297552782, ClinGen allele CA344077907.

ClinVar aggregate classification (germline): Uncertain significance. Review status: criteria provided, multiple submitters, no conflicts (2 of 4 stars). 2 submissions from 2 submitters: Uncertain significance (2). Last evaluated 2025-10-15.

Conditions:
Hereditary cancer-predisposing syndrome. Also called: Tumor predisposition; Hereditary neoplastic syndrome; Neoplastic Syndromes, Hereditary; Hereditary Cancer Syndrome. Identifiers: Orphanet 140162, MedGen C0027672, MeSH D009386, MONDO:0015356.
Parathyroid carcinoma (PRTC). Also called: Parathyroid gland carcinoma; CDC73-Related Parathyroid Carcinoma. Identifiers: Orphanet 143, MedGen C0687150, MONDO:0012004, OMIM 608266, HP:0006780.

Allele frequency attached by ClinVar (database versions not stated): gnomAD exomes below 0.00001.
gnomAD v4.1: 1 of 1,613,146 alleles (0.000062%); highest among the groups gnomAD compares: Non-Finnish European, 0.000085%; no homozygotes.

Submissions (2):

Ambry Genetics
Classification: Uncertain significance for Hereditary cancer-predisposing syndrome. Last evaluated: 2025-10-15. Review status: criteria provided, single submitter. Criteria: Ambry Variant Classification Scheme 2023. Collection method: clinical testing. Allele origin: germline.
Comment: The p.P414S variant (also known as c.1240C>T), located in coding exon 14 of the CDC73 gene, results from a C to T substitution at nucleotide position 1240. The proline at codon 414 is replaced by serine, an amino acid with similar properties. This amino acid position is highly conserved in available vertebrate species. In addition, this alteration is predicted to be tolerated by in silico analysis. Since supporting evidence is limited at this time, the clinical significance of this alteration remains unclear.

Labcorp Genetics (formerly Invitae), Labcorp
Classification: Uncertain significance for Parathyroid carcinoma. Last evaluated: 2024-01-18. Review status: criteria provided, single submitter. Criteria: Invitae Variant Classification Sherloc (09022015). Collection method: clinical testing. Allele origin: germline.
Comment: This sequence change replaces proline, which is neutral and non-polar, with serine, which is neutral and polar, at codon 414 of the CDC73 protein (p.Pro414Ser). This variant is not present in population databases (gnomAD no frequency). This variant has not been reported in the literature in individuals affected with CDC73-related conditions. ClinVar contains an entry for this variant (Variation ID: 861647). An algorithm developed to predict the effect of missense changes on protein structure and function (PolyPhen-2) suggests that this variant¬†is likely to be tolerated. In summary, the available evidence is currently insufficient to determine the role of this variant in disease. Therefore, it has been classified as a Variant of Uncertain Significance.